The following is an entry in ClinVar:

ClinVar aggregate classification (germline): Pathogenic (1 of 4 stars; one submission).

Conditions:
Neurofibromatosis, type 2 (SWNV). Also called: NF2-Related Schwannomatosis; BILATERAL ACOUSTIC NEUROFIBROMATOSIS; SCHWANNOMATOSIS, VESTIBULAR. Identifiers: Orphanet 637, MedGen C0027832, MONDO:0007039, OMIM 101000. Disease mechanism: loss of function.

Submission:

Labcorp Genetics (formerly Invitae), Labcorp
Classification: Pathogenic for Neurofibromatosis, type 2. Last evaluated: 2022-08-27. Review status: criteria provided, single submitter. Criteria: Invitae Variant Classification Sherloc (09022015). Collection method: clinical testing. Allele origin: germline.
Comment: For these reasons, this variant has been classified as Pathogenic. This variant has not been reported in the literature in individuals affected with NF2-related conditions. This sequence change creates a premature translational stop signal (p.Phe507Leufs*8) in the NF2 gene. It is expected to result in an absent or disrupted protein product. Loss-of-function variants in NF2 are known to be pathogenic (PMID: 9643284, 16983642). This variant is not present in population databases (gnomAD no frequency).

Literature cited by the submitters: PubMed 9643284; PubMed 16983642.

NM_000268.4(NF2):c.1521del (p.Phe507fs)

Gene: NF2 (NF2, moesin-ezrin-radixin like (MERLIN) tumor suppressor; plus strand). Cytogenetic location: 22q12.2.
Variant type: Deletion.
Coding change: c.1521del on transcript NM_000268.4 (MANE Select); coding-DNA position 1521, one base deleted (C; older notation c.1521delC).
Protein change: p.Phe507fs; shifts the reading frame from phenylalanine 507.
Molecular consequence: frameshift variant. On other transcripts: non-coding transcript variant (1), intron variant (1).
Genome position (GRCh38, 1-based): chr22:29,678,270, C deleted. VCF-style (leftmost placement, unchanged base first): chr22-29678269-TC-T. GRCh37 (hg19) VCF-style: chr22-30074258-TC-T.
Other names: c.1407delC, p.Phe469Leufs (NM_001407053.1, NM_001407056.1); c.1398delC, p.Phe466Leufs (NM_001407054.1, NM_001407058.1); c.1395delC, p.Phe465Leufs (NM_001407055.1); c.1386delC, p.Phe462Leufs (NM_001407057.1, NM_001407059.1); c.1521delC, p.Phe507Leufs (NM_001407060.1, NM_001407066.1); c.1263delC, p.Phe421Leufs (NM_001407062.1); c.1272delC, p.Phe424Leufs (NM_001407063.1, NM_001407064.1); c.987delC, p.Phe329Leufs (NM_001407065.1); and 6 more; short protein forms F424fs, F466fs, F465fs, F507fs.
Identifiers: ClinVar variation 2027166 (VCV002027166.4), dbSNP rs2518712946, ClinGen allele CA2580099515.
Genomic context (GRCh38, chr22:29,678,269, plus strand): 5'-TTCCAGCACCGTTGCCTCCTGACATACCAAGCTTCAACCTCATTGGTGACAGCCTGTCTT[TC>T]GACTTCAAAGATACTGACATGAAGCGGCTTTCCATGGAGATAGAGAAAGAAAAGTATGTA-3'